The following is an entry in ClinVar:

ClinVar aggregate classification (germline): Pathogenic (1 of 4 stars; one submission).

Conditions:
Hereditary breast ovarian cancer syndrome. Also called: Hereditary breast and ovarian cancer syndrome; Hereditary breast and/or ovarian cancer syndrome; Hereditary breast and ovarian cancer; Hereditary breast and ovarian cancer syndrome (HBOC); Breast and ovarian cancer; BRCA1- and BRCA2-Associated Hereditary Breast and Ovarian Cancer. Identifiers: Orphanet 145, MedGen C0677776, MeSH D061325, MONDO:0003582. Disease mechanism: loss of function.

Submission:

Labcorp Genetics (formerly Invitae), Labcorp
Classification: Pathogenic for Hereditary breast ovarian cancer syndrome. Last evaluated: 2025-01-14. Review status: criteria provided, single submitter. Criteria: Invitae Variant Classification Sherloc (09022015). Collection method: clinical testing. Allele origin: germline.
Comment: This sequence change creates a premature translational stop signal (p.Met2493Alafs*3) in the BRCA2 gene. It is expected to result in an absent or disrupted protein product. Loss-of-function variants in BRCA2 are known to be pathogenic (PMID: 20104584). This variant is not present in population databases (gnomAD no frequency). This variant has not been reported in the literature in individuals affected with BRCA2-related conditions. For these reasons, this variant has been classified as Pathogenic.

Literature cited by the submitters: PubMed 20104584.

NM_000059.4(BRCA2):c.7477_7478del (p.Met2493fs)

Gene: BRCA2 (BRCA2 DNA repair associated; plus strand). Cytogenetic location: 13q13.1.
Variant type: Microsatellite.
Coding change: c.7477_7478del on transcript NM_000059.4 (MANE Select); coding-DNA positions 7477 to 7478, 2 bases deleted (AT; older notation c.7477_7478delAT).
Protein change: p.Met2493fs; shifts the reading frame from methionine 2493.
Molecular consequence: frameshift variant. On other transcripts: non-coding transcript variant (1).
Genome position (GRCh38, 1-based): chr13:32,356,469-32,356,470, AT deleted; deleting any 2 consecutive bases within chr13:32,356,467-32,356,470 gives the same sequence; the c. name uses the placement nearest the transcript's 3' end. VCF-style (leftmost placement, unchanged base first): chr13-32356466-GAT-G. GRCh37 (hg19) VCF-style: chr13-32930603-GAT-G.
Other names: c.7381_7382del, p.Met2461fs (NM_001406719.1); c.7477_7478del, p.Met2493fs (NM_001406720.1, NM_001432077.1); c.2545_2546del, p.Met849fs (NM_001406721.1); c.1060_1061del, p.Met354fs (NM_001406722.1); short protein forms M2461fs, M354fs, M849fs, M2493fs.
Identifiers: ClinVar variation 3728977 (VCV003728977.2).
Genomic context (GRCh38, chr13:32,356,466, plus strand): 5'-CTAAGTATTTATTCTTTGATAGATTTAATTACAAGTCTTCAGAATGCCAGAGATATACAG[GAT>G]ATGCGAATTAAGAAGAAACAAAGGCAACGCGTCTTTCCACAGCCAGGCAGTCTGTATCTT-3'